The following is an entry in ClinVar:

ClinVar aggregate classification (germline): Uncertain significance (1 of 4 stars; one submission).

Allele frequency attached by ClinVar (database versions not stated): gnomAD exomes 0.00001; TOPMed 0.00004; gnomAD 0.00005; 1000 Genomes Project 30x 0.00016; 1000 Genomes Project 0.00020.
gnomAD v4.1: 15 of 1,551,936 alleles (0.00097%); highest among the groups gnomAD compares: African/African-American, 0.021%; no homozygotes.

Submission:

Labcorp Genetics (formerly Invitae), Labcorp
Classification: Uncertain significance. Last evaluated: 2022-08-22. Review status: criteria provided, single submitter. Criteria: Invitae Variant Classification Sherloc (09022015). Collection method: clinical testing. Allele origin: germline.
Comment: This sequence change replaces cysteine, which is neutral and slightly polar, with serine, which is neutral and polar, at codon 357 of the KPNA7 protein (p.Cys357Ser). The frequency data for this variant in the population databases is considered unreliable, as metrics indicate poor data quality at this position in the gnomAD database. This variant has not been reported in the literature in individuals affected with KPNA7-related conditions. Algorithms developed to predict the effect of missense changes on protein structure and function output the following: SIFT: "Tolerated"; PolyPhen-2: "Benign"; Align-GVGD: "Class C0". The serine amino acid residue is found in multiple mammalian species, which suggests that this missense change does not adversely affect protein function. In summary, the available evidence is currently insufficient to determine the role of this variant in disease. Therefore, it has been classified as a Variant of Uncertain Significance.

NM_001145715.3(KPNA7):c.1070G>C (p.Cys357Ser)

Gene: KPNA7 (karyopherin subunit alpha 7; minus strand). Cytogenetic location: 7q22.1.
Variant type: single nucleotide variant.
Coding change: c.1070G>C on transcript NM_001145715.3 (MANE Select); coding-DNA position 1070, G replaced by C.
Protein change: p.Cys357Ser; replaces cysteine 357 with serine.
Molecular consequence: missense variant.
Genome position (GRCh38, 1-based): chr7:99,184,993, C>G on the plus strand (G>C on the coding strand, the complement: KPNA7 is on the minus strand). VCF-style: chr7-99184993-C-G. GRCh37 (hg19) VCF-style: chr7-98782616-C-G.
Other names: short protein forms C357S.
Identifiers: ClinVar variation 2141460 (VCV002141460.1), dbSNP rs191505299, ClinGen allele CA163745348.